The following is an entry in ClinVar:

NM_002857.4(PEX19):c.786C>T (p.Gly262=)

Gene: PEX19 (peroxisomal biogenesis factor 19; minus strand). Cytogenetic location: 1q23.2.
Variant type: single nucleotide variant.
Coding change: c.786C>T on transcript NM_002857.4 (MANE Select); coding-DNA position 786, C replaced by T.
Protein change: p.Gly262=; no amino-acid change (glycine 262 retained).
Molecular consequence: synonymous variant. On other transcripts: non-coding transcript variant (2).
Genome position (GRCh38, 1-based): chr1:160,279,831, G>A on the plus strand (C>T on the coding strand, the complement: PEX19 is on the minus strand). VCF-style: chr1-160279831-G-A. GRCh37 (hg19) VCF-style: chr1-160249621-G-A.
Other names: c.786C>T, p.Gly262= (NM_001193644.1); c.786C>T (NM_002857.3).
Identifiers: ClinVar variation 1153934 (VCV001153934.11), dbSNP rs146846475, ClinGen allele CA1197234.

ClinVar aggregate classification (germline): Likely benign. Review status: criteria provided, multiple submitters, no conflicts (2 of 4 stars). 3 submissions from 3 submitters: Likely benign (3). Last evaluated 2026-02-04.

Conditions:
Peroxisome biogenesis disorder 12A (Zellweger). Also called: Peroxisome biogenesis disorder 12A. Identifiers: Orphanet 912, MedGen C3554002, MONDO:0013951, OMIM 614886.
PEX19-related disorder. Also called: PEX19-related condition.

Allele frequency attached by ClinVar (database versions not stated): ExAC 0.00002; gnomAD exomes 0.00002; gnomAD 0.00004; ESP Exome Variant Server 0.00008.
gnomAD v4.1: 60 of 1,612,898 alleles (0.0037%); highest among the groups gnomAD compares: Non-Finnish European, 0.0047%; no homozygotes.

Submissions (3):

PreventionGenetics, part of Exact Sciences
Classification: Likely benign for PEX19-related condition. Last evaluated: 2026-02-04. Review status: criteria provided, single submitter. Criteria: ACMG Guidelines, 2015. Collection method: clinical testing. Allele origin: germline.
Comment: This variant is classified as likely benign based on ACMG/AMP sequence variant interpretation guidelines (Richards et al. 2015 PMID: 25741868, with internal and published modifications).

Labcorp Genetics (formerly Invitae), Labcorp
Classification: Likely benign for Peroxisome biogenesis disorder 12A (Zellweger). Last evaluated: 2025-12-15. Review status: criteria provided, single submitter. Criteria: Invitae Variant Classification Sherloc (09022015). Collection method: clinical testing. Allele origin: germline.

Blueprint Genetics
Classification: Likely benign. Last evaluated: 2022-10-04. Review status: criteria provided, single submitter. Criteria: ACMG Guidelines, 2015. Collection method: clinical testing. Allele origin: germline.